The following is an entry in ClinVar:

ClinVar aggregate classification (germline): Uncertain significance (1 of 4 stars; one submission).

Conditions:
Hereditary cancer-predisposing syndrome. Also called: Neoplastic Syndromes, Hereditary; Tumor predisposition; Hereditary neoplastic syndrome; Hereditary Cancer Syndrome. Identifiers: Orphanet 140162, MedGen C0027672, MeSH D009386, MONDO:0015356.

Submission:

Ambry Genetics
Classification: Uncertain significance for Hereditary cancer-predisposing syndrome. Last evaluated: 2026-08-18. Review status: criteria provided, single submitter. Criteria: Ambry Variant Classification Scheme 2023. Collection method: clinical testing. Allele origin: germline.
Comment: The p.F470L variant (also known as c.1410T>A), located in coding exon 15 of the CDC73 gene, results from a T to A substitution at nucleotide position 1410. The phenylalanine at codon 470 is replaced by leucine, an amino acid with highly similar properties. This amino acid position is conserved. In addition, this alteration is predicted to be deleterious by in silico analysis. Based on the available evidence, the clinical significance of this variant remains unclear.

NM_024529.5(CDC73):c.1410T>A (p.Phe470Leu)

Gene: CDC73 (cell division cycle 73; plus strand). Cytogenetic location: 1q31.2.
Variant type: single nucleotide variant.
Coding change: c.1410T>A on transcript NM_024529.5 (MANE Select); coding-DNA position 1410, T replaced by A.
Protein change: p.Phe470Leu; replaces phenylalanine 470 with leucine.
Molecular consequence: missense variant.
Genome position (GRCh38, 1-based): chr1:193,236,349, T>A. VCF-style: chr1-193236349-T-A. GRCh37 (hg19) VCF-style: chr1-193205479-T-A.
Other names: short protein forms F470L.
Identifiers: ClinVar variation 5033849 (VCV005033849.1).